The following is an entry in ClinVar:

ClinVar aggregate classification (germline): Uncertain significance. Review status: criteria provided, multiple submitters, no conflicts (2 of 4 stars). 3 submissions from 3 submitters: Uncertain significance (3). Last evaluated 2024-02-27.

Conditions:
Arrhythmogenic right ventricular dysplasia 9 (ARVD9). Also called: Arrhythmogenic Right Ventricular Dysplasia/Cardiomyopathy 9; ARRHYTHMOGENIC RIGHT VENTRICULAR DYSPLASIA, FAMILIAL, 9. Identifiers: MedGen C1836906, MONDO:0012180, OMIM 609040.
Cardiovascular phenotype. Identifiers: MedGen CN230736.
Cardiomyopathy (CMYO). Also called: Cardiomyopathies. Identifiers: Orphanet 167848, MedGen C0878544, MONDO:0004994, HP:0001638. Inheritance: Various modes of inheritance.

gnomAD v4.1: 4 of 1,614,124 alleles (0.00025%); highest among the groups gnomAD compares: Non-Finnish European, 0.00034%; no homozygotes.

Submissions (3):

Labcorp Genetics (formerly Invitae), Labcorp
Classification: Uncertain significance for Arrhythmogenic right ventricular dysplasia 9. Last evaluated: 2024-02-27. Review status: criteria provided, single submitter. Criteria: Invitae Variant Classification Sherloc (09022015). Collection method: clinical testing. Allele origin: germline.
Comment: This sequence change replaces proline, which is neutral and non-polar, with serine, which is neutral and polar, at codon 306 of the PKP2 protein (p.Pro306Ser). This variant is not present in population databases (gnomAD no frequency). This variant has not been reported in the literature in individuals affected with PKP2-related conditions. ClinVar contains an entry for this variant (Variation ID: 920705). An algorithm developed to predict the effect of missense changes on protein structure and function (PolyPhen-2) suggests that this variant is likely to be tolerated. In summary, the available evidence is currently insufficient to determine the role of this variant in disease. Therefore, it has been classified as a Variant of Uncertain Significance.

Color Diagnostics, LLC DBA Color Health
Classification: Uncertain significance for Cardiomyopathy. Last evaluated: 2023-12-05. Review status: criteria provided, single submitter. Criteria: ACMG Guidelines, 2015. Collection method: clinical testing. Allele origin: germline.
Comment: Variant of Uncertain Significance due to insufficient evidence: This missense variant is located in the head domain of the PKP2 protein. Computational prediction tools and conservation analyses suggest that this variant may not impact the protein function. Computational splicing tools suggest that this variant may not impact RNA splicing. To our knowledge, functional assays have not been performed for this variant nor has this variant been reported in individuals affected with cardiovascular disorders in the literature. This variant is rare in the general population and has been identified in 0/277264 chromosomes by the Genome Aggregation Database (gnomAD). Available evidence is insufficient to determine the pathogenicity of this variant conclusively.

Ambry Genetics
Classification: Uncertain significance for Cardiovascular phenotype. Last evaluated: 2022-12-23. Review status: criteria provided, single submitter. Criteria: Ambry Variant Classification Scheme 2023. Collection method: clinical testing. Allele origin: germline.
Comment: The p.P306S variant (also known as c.916C>T), located in coding exon 3 of the PKP2 gene, results from a C to T substitution at nucleotide position 916. The proline at codon 306 is replaced by serine, an amino acid with similar properties. This amino acid position is conserved. In addition, this alteration is predicted to be tolerated by in silico analysis. Since supporting evidence is limited at this time, the clinical significance of this alteration remains unclear.

NM_001005242.3(PKP2):c.916C>T (p.Pro306Ser)

Gene: PKP2 (plakophilin 2; minus strand). Cytogenetic location: 12p11.21.
Variant type: single nucleotide variant.
Coding change: c.916C>T on transcript NM_001005242.3 (MANE Select); coding-DNA position 916, C replaced by T.
Protein change: p.Pro306Ser; replaces proline 306 with serine.
Molecular consequence: missense variant.
Genome position (GRCh38, 1-based): chr12:32,877,964, G>A on the plus strand (C>T on the coding strand, the complement: PKP2 is on the minus strand). VCF-style: chr12-32877964-G-A. GRCh37 (hg19) VCF-style: chr12-33030898-G-A.
Other names: c.916C>T, p.Pro306Ser (NM_004572.4); short protein forms P306S.
Identifiers: ClinVar variation 920705 (VCV000920705.9), dbSNP rs1209340253, ClinGen allele CA384362032.